The following is an entry in ClinVar:

NM_001041.4(SI):c.951C>T (p.Thr317=)

Gene: SI (sucrase-isomaltase; minus strand). Cytogenetic location: 3q26.1.
Variant type: single nucleotide variant.
Coding change: c.951C>T on transcript NM_001041.4 (MANE Select); coding-DNA position 951, C replaced by T.
Protein change: p.Thr317=; no amino-acid change (threonine 317 retained).
Molecular consequence: synonymous variant.
Genome position (GRCh38, 1-based): chr3:165,062,440, G>A on the plus strand (C>T on the coding strand, the complement: SI is on the minus strand). VCF-style: chr3-165062440-G-A. GRCh37 (hg19) VCF-style: chr3-164780228-G-A.
Identifiers: ClinVar variation 2068268 (VCV002068268.10), dbSNP rs144637860, ClinGen allele CA2691242.
Genomic context (GRCh38, chr3:165,062,440, plus strand): 5'-CTGTTGAACTACTTGTTCTGGTGTATCTCCTAGAAGGATGTAAAAATCCAGAATGCCACC[G>A]GTAACTCTATATGTTACTATTGGAGTAGGCTGGATAAAAATCTCTGCAAAATAAAATTGG-3'
Protein context (NP_001032.2, residues 307-327): QPTPIVTYRV[Thr317=]GGILDFYILL

ClinVar aggregate classification (germline): Likely benign. Review status: criteria provided, multiple submitters, no conflicts (2 of 4 stars). 2 submissions from 2 submitters: Likely benign (2). Last evaluated 2025-10-21.

Allele frequency attached by ClinVar (database versions not stated): gnomAD exomes 0.00002; ExAC 0.00007; TOPMed 0.00008; gnomAD 0.00009; ESP Exome Variant Server 0.00015.
gnomAD v4.1: 44 of 1,605,078 alleles (0.0027%); highest among the groups gnomAD compares: African/African-American, 0.019%; no homozygotes.

Submissions (2):

Labcorp Genetics (formerly Invitae), Labcorp
Classification: Likely benign. Last evaluated: 2025-10-21. Review status: criteria provided, single submitter. Criteria: Invitae Variant Classification Sherloc (09022015). Collection method: clinical testing. Allele origin: germline.

CeGaT Center for Human Genetics Tuebingen
Classification: Likely benign. Last evaluated: 2025-10-01. Review status: criteria provided, single submitter. Criteria: CeGaT Center For Human Genetics Tuebingen Variant Classification Criteria Version 2. Collection method: clinical testing. Allele origin: germline. Affected: yes. Observed: 1 variant allele.
Comment: SI: BP4, BP7